The following is an entry in ClinVar:

NM_001363711.2(DUOX2):c.3307C>T (p.Arg1103Cys)

Gene: DUOX2 (dual oxidase 2; minus strand). Cytogenetic location: 15q21.1.
Variant type: single nucleotide variant.
Coding change: c.3307C>T on transcript NM_001363711.2 (MANE Select); coding-DNA position 3307, C replaced by T.
Protein change: p.Arg1103Cys; replaces arginine 1103 with cysteine.
Molecular consequence: missense variant.
Genome position (GRCh38, 1-based): chr15:45,099,770, G>A on the plus strand (C>T on the coding strand, the complement: DUOX2 is on the minus strand). VCF-style: chr15-45099770-G-A. GRCh37 (hg19) VCF-style: chr15-45391968-G-A.
Other names: c.3307C>T, p.Arg1103Cys (NM_014080.5); c.3307C>T (NM_014080.4); short protein forms R1103C.
Identifiers: ClinVar variation 1420831 (VCV001420831.6), dbSNP rs144923217, ClinGen allele CA7537924.

ClinVar aggregate classification (germline): Uncertain significance. Review status: criteria provided, multiple submitters, no conflicts (2 of 4 stars). 2 submissions from 2 submitters: Uncertain significance (2). Last evaluated 2024-08-12.

Conditions:
Inborn genetic diseases. Identifiers: MedGen C0950123, MeSH D030342.

Allele frequency attached by ClinVar (database versions not stated): gnomAD exomes 0.00006; ESP Exome Variant Server 0.00008; gnomAD 0.00012 and 0.00014; TOPMed 0.00013; ExAC 0.00003.
gnomAD v4.1: 189 of 1,614,058 alleles (0.012%); highest among the groups gnomAD compares: African/African-American, 0.025%; no homozygotes.

Submissions (2):

Labcorp Genetics (formerly Invitae), Labcorp
Classification: Uncertain significance. Last evaluated: 2024-08-12. Review status: criteria provided, single submitter. Criteria: Invitae Variant Classification Sherloc (09022015). Collection method: clinical testing. Allele origin: germline.
Comment: This sequence change replaces arginine, which is basic and polar, with cysteine, which is neutral and slightly polar, at codon 1103 of the DUOX2 protein (p.Arg1103Cys). This variant is present in population databases (rs144923217, gnomAD 0.01%). This variant has not been reported in the literature in individuals affected with DUOX2-related conditions. ClinVar contains an entry for this variant (Variation ID: 1420831). Advanced modeling of protein sequence and biophysical properties (such as structural, functional, and spatial information, amino acid conservation, physicochemical variation, residue mobility, and thermodynamic stability) performed at Invitae indicates that this missense variant is expected to disrupt DUOX2 protein function with a positive predictive value of 80%. In summary, the available evidence is currently insufficient to determine the role of this variant in disease. Therefore, it has been classified as a Variant of Uncertain Significance.

Ambry Genetics
Classification: Uncertain significance for Inborn genetic diseases. Last evaluated: 2024-06-07. Review status: criteria provided, single submitter. Criteria: Ambry Variant Classification Scheme 2023. Collection method: clinical testing. Allele origin: germline.